The following is an entry in ClinVar:

NM_020461.4(TUBGCP6):c.2268G>A (p.Ala756=)

Gene: TUBGCP6 (tubulin gamma complex component 6; minus strand). Cytogenetic location: 22q13.33.
Variant type: single nucleotide variant.
Coding change: c.2268G>A on transcript NM_020461.4 (MANE Select); coding-DNA position 2268, G replaced by A.
Protein change: p.Ala756=; no amino-acid change (alanine 756 retained).
Molecular consequence: synonymous variant.
Genome position (GRCh38, 1-based): chr22:50,224,143, C>T on the plus strand (G>A on the coding strand, the complement: TUBGCP6 is on the minus strand). VCF-style: chr22-50224143-C-T. GRCh37 (hg19) VCF-style: chr22-50662572-C-T.
Other names: c.2268G>A (NM_020461.3).
Identifiers: ClinVar variation 1916846 (VCV001916846.22), dbSNP rs368982253, ClinGen allele CA325463743.

ClinVar aggregate classification (germline): Likely benign. Review status: criteria provided, multiple submitters, no conflicts (2 of 4 stars). 3 submissions from 3 submitters: Likely benign (3). Last evaluated 2025-08-15.

Conditions:
Inborn genetic diseases. Identifiers: MedGen C0950123, MeSH D030342.

Allele frequency attached by ClinVar (database versions not stated): gnomAD 0.00003; ESP Exome Variant Server 0.00008.
gnomAD v4.1: 31 of 1,612,814 alleles (0.0019%); highest among the groups gnomAD compares: Non-Finnish European, 0.0022%; no homozygotes.

Submissions (3):

Ambry Genetics
Classification: Likely benign for Inborn genetic diseases. Last evaluated: 2025-08-15. Review status: criteria provided, single submitter. Criteria: Ambry Variant Classification Scheme 2023. Collection method: clinical testing. Allele origin: germline.

Labcorp Genetics (formerly Invitae), Labcorp
Classification: Likely benign. Last evaluated: 2025-04-13. Review status: criteria provided, single submitter. Criteria: Invitae Variant Classification Sherloc (09022015). Collection method: clinical testing. Allele origin: germline.

CeGaT Center for Human Genetics Tuebingen
Classification: Likely benign. Last evaluated: 2024-08-01. Review status: criteria provided, single submitter. Criteria: CeGaT Center For Human Genetics Tuebingen Variant Classification Criteria Version 2. Collection method: clinical testing. Allele origin: germline. Affected: yes. Observed: 1 variant allele.
Comment: TUBGCP6: BP4, BP7